The following is an entry in ClinVar:

ClinVar aggregate classification (germline): Uncertain significance (1 of 4 stars; one submission).

Conditions:
Hereditary cancer-predisposing syndrome. Also called: Hereditary Cancer Syndrome; Hereditary neoplastic syndrome; Neoplastic Syndromes, Hereditary; Tumor predisposition. Identifiers: Orphanet 140162, MedGen C0027672, MeSH D009386, MONDO:0015356.

Submission:

Ambry Genetics
Classification: Uncertain significance for Hereditary cancer-predisposing syndrome. Last evaluated: 2021-06-03. Review status: criteria provided, single submitter. Criteria: Ambry Variant Classification Scheme 2023. Collection method: clinical testing. Allele origin: germline.
Comment: The p.L146V variant (also known as c.436C>G), located in coding exon 4 of the ATM gene, results from a C to G substitution at nucleotide position 436. The leucine at codon 146 is replaced by valine, an amino acid with highly similar properties. This amino acid position is well conserved in available vertebrate species. In addition, this alteration is predicted to be tolerated by in silico analysis. Since supporting evidence is limited at this time, the clinical significance of this alteration remains unclear.

NM_000051.4(ATM):c.436C>G (p.Leu146Val)

Gene: ATM (ATM serine/threonine kinase; plus strand). Cytogenetic location: 11q22.3.
Variant type: single nucleotide variant.
Coding change: c.436C>G on transcript NM_000051.4 (MANE Select); coding-DNA position 436, C replaced by G.
Protein change: p.Leu146Val; replaces leucine 146 with valine.
Molecular consequence: missense variant.
Genome position (GRCh38, 1-based): chr11:108,235,774, C>G. VCF-style: chr11-108235774-C-G. GRCh37 (hg19) VCF-style: chr11-108106501-C-G.
Other names: c.436C>G, p.Leu146Val (NM_001351834.2); short protein forms L146V.
Identifiers: ClinVar variation 1740066 (VCV001740066.2), dbSNP rs2135124363, ClinGen allele CA382525225.
Genomic context (GRCh38, chr11:108,235,774, plus strand): 5'-GATACAGTGAAAGATTCATCTAATGGTGCTATTTACGGAGCTGATTGTAGCAACATACTA[C>G]TCAAAGACATTCTTTCTGTGAGAAAATACTGGTGTGAAATATCTCAGCAACAGTGGTTAG-3'
Protein context (NP_000042.3, residues 136-156): IYGADCSNIL[Leu146Val]KDILSVRKYW